The following is an entry in ClinVar:

ClinVar aggregate classification (germline): not provided (0 of 4 stars; one submission).

Allele frequency attached by ClinVar (database versions not stated): gnomAD exomes 0.00004 and 0.00016; gnomAD 0.00006; ExAC 0.00011; TOPMed 0.00013.
gnomAD v4.1: 65 of 1,519,246 alleles (0.0043%); highest among the groups gnomAD compares: Admixed American, 0.084%; 2 homozygotes.

Submission:

Human Evolutionary Genetics, Institut Pasteur
No classification provided. Review status: no classification provided. Collection method: not provided. Allele origin: germline.
ClinVar note: Converted during submission from untested to not provided.

NM_144687.4(NLRP12):c.290-33G>A

Gene: NLRP12 (NLR family pyrin domain containing 12; minus strand). Cytogenetic location: 19q13.42.
Variant type: single nucleotide variant.
Coding change: c.290-33G>A on transcript NM_144687.4 (MANE Select); 33 bases into the intron before coding-DNA position 290, G replaced by A.
Molecular consequence: intron variant.
Genome position (GRCh38, 1-based): chr19:53,815,021, C>T on the plus strand (G>A on the coding strand, the complement: NLRP12 is on the minus strand). VCF-style: chr19-53815021-C-T. GRCh37 (hg19) VCF-style: chr19-54318275-C-T.
Other names: c.290-33G>A (NM_001277129.1, NM_001277126.2).
Identifiers: ClinVar variation 103261 (VCV000103261.2), dbSNP rs199476242, ClinGen allele CA230334.